The following is an entry in ClinVar:

ClinVar aggregate classification (germline): Uncertain significance. Review status: criteria provided, multiple submitters, no conflicts (2 of 4 stars). 2 submissions from 2 submitters: Uncertain significance (2). Last evaluated 2024-05-14.

Allele frequency attached by ClinVar (database versions not stated): TOPMed 0.00006; ExAC 0.00007; gnomAD 0.00009; gnomAD exomes 0.00010.
gnomAD v4.1: 160 of 1,613,998 alleles (0.0099%); highest among the groups gnomAD compares: Middle Eastern, 0.016%; no homozygotes.

Submissions (3):

Blueprint Genetics
Classification: Uncertain significance. Last evaluated: 2024-05-14. Review status: criteria provided, single submitter. Criteria: ACMG Guidelines, 2015. Collection method: clinical testing. Allele origin: germline.

Labcorp Genetics (formerly Invitae), Labcorp
Classification: Uncertain significance. Last evaluated: 2023-12-23. Review status: criteria provided, single submitter. Criteria: Invitae Variant Classification Sherloc (09022015). Collection method: clinical testing. Allele origin: germline.
Comment: This sequence change replaces glycine, which is neutral and non-polar, with arginine, which is basic and polar, at codon 1600 of the HSPG2 protein (p.Gly1600Arg). This variant is present in population databases (rs201665758, gnomAD 0.009%). This variant has not been reported in the literature in individuals affected with HSPG2-related conditions. An algorithm developed to predict the effect of missense changes on protein structure and function (PolyPhen-2) suggests that this variant is likely to be disruptive. In summary, the available evidence is currently insufficient to determine the role of this variant in disease. Therefore, it has been classified as a Variant of Uncertain Significance.

Dr. Peter K. Rogan Lab, Western University
No classification provided (evidence only). Condition: Malignant tumor of esophagus. Review status: no classification provided. Collection method: in vitro. Allele origin: not applicable. Functional consequence: retained intron. Not counted in ClinVar's aggregate classification.

NM_005529.7(HSPG2):c.4798G>A (p.Gly1600Arg)

Gene: HSPG2 (heparan sulfate proteoglycan 2; minus strand). Cytogenetic location: 1p36.12.
Variant type: single nucleotide variant.
Coding change: c.4798G>A on transcript NM_005529.7 (MANE Select); coding-DNA position 4798, G replaced by A.
Protein change: p.Gly1600Arg; replaces glycine 1600 with arginine.
Molecular consequence: missense variant.
Genome position (GRCh38, 1-based): chr1:21,862,058, C>T on the plus strand (G>A on the coding strand, the complement: HSPG2 is on the minus strand). VCF-style: chr1-21862058-C-T. GRCh37 (hg19) VCF-style: chr1-22188551-C-T.
Other names: c.4801G>A, p.Gly1601Arg (NM_001291860.2); short protein forms G1600R, G1601R.
Identifiers: ClinVar variation 2855617 (VCV002855617.5), dbSNP rs201665758, ClinGen allele CA672160.